The following is an entry in ClinVar:

ClinVar aggregate classification (germline): Uncertain significance. Review status: criteria provided, multiple submitters, no conflicts (2 of 4 stars). 2 submissions from 2 submitters: Uncertain significance (2). Last evaluated 2025-08-13.

Conditions:
3-Methylglutaconic aciduria type 2 (BTHS). Also called: CARDIOSKELETAL MYOPATHY WITH NEUTROPENIA AND ABNORMAL MITOCHONDRIA; Barth syndrome. Identifiers: Orphanet 111, MedGen C0574083, MONDO:0010543, OMIM 302060.

gnomAD v4.1: 1 of 1,212,316 alleles (0.000082%); highest among the groups gnomAD compares: Non-Finnish European, 0.00011%; no homozygotes.

Submissions (2):

Mayo Clinic Laboratories, Mayo Clinic
Classification: Uncertain significance. Last evaluated: 2025-08-13. Review status: criteria provided, single submitter. Criteria: ACMG Guidelines, 2015. Collection method: clinical testing. Allele origin: germline. Observed: 4 variant alleles.
Comment: PP3_moderate, PM2_supporting

Labcorp Genetics (formerly Invitae), Labcorp
Classification: Uncertain significance for 3-Methylglutaconic aciduria type 2. Last evaluated: 2022-12-08. Review status: criteria provided, single submitter. Criteria: Invitae Variant Classification Sherloc (09022015). Collection method: clinical testing. Allele origin: germline.
Comment: In summary, the available evidence is currently insufficient to determine the role of this variant in disease. Therefore, it has been classified as a Variant of Uncertain Significance. Algorithms developed to predict the effect of missense changes on protein structure and function are either unavailable or do not agree on the potential impact of this missense change (SIFT: "Deleterious"; PolyPhen-2: "Possibly Damaging"; Align-GVGD: "Class C0"). This variant has not been reported in the literature in individuals affected with TAZ-related conditions. This variant is not present in population databases (gnomAD no frequency). This sequence change replaces arginine, which is basic and polar, with proline, which is neutral and non-polar, at codon 191 of the TAZ protein (p.Arg191Pro).

NM_000116.5(TAFAZZIN):c.572G>C (p.Arg191Pro)

Gene: TAFAZZIN (tafazzin, phospholipid-lysophospholipid transacylase; plus strand). Cytogenetic location: Xq28.
Variant type: single nucleotide variant.
Coding change: c.572G>C on transcript NM_000116.5 (MANE Select); coding-DNA position 572, G replaced by C.
Protein change: p.Arg191Pro; replaces arginine 191 with proline.
Molecular consequence: missense variant. On other transcripts: non-coding transcript variant (1), intron variant (3).
Genome position (GRCh38, 1-based): chrX:154,419,735, G>C. VCF-style: chrX-154419735-G-C. GRCh37 (hg19) VCF-style: chrX-153648074-G-C.
Other names: p.Arg191Pro; c.536G>C, p.Arg179Pro (NM_001410698.1); c.482G>C, p.Arg161Pro (NM_181311.4); c.595+112G>C (NM_001303465.2); c.541+112G>C (NM_181312.4); c.451+112G>C (NM_181313.4); short protein forms R161P, R179P, R191P.
Identifiers: ClinVar variation 2037647 (VCV002037647.5), dbSNP rs876661034, ClinGen allele CA415183954.
Genomic context (GRCh38, chrX:154,419,735, plus strand): 5'-CCAAGCCTCGCCTCTGTGCTCTCTCACCAGGGAAAGTGAACATGAGTTCCGAATTCCTGC[G>C]TTTCAAGTGGGGTAAGGGCTGCTGGTCTCTGGCCACAGCCATCCTCCCGGCCCAGAGATG-3'
Protein context (NP_000107.1, residues 181-201): GKVNMSSEFL[Arg191Pro]FKWGIGRLIA